The following is an entry in ClinVar:

NM_004104.5(FASN):c.466G>A (p.Ala156Thr)

Gene: FASN (fatty acid synthase; minus strand). Cytogenetic location: 17q25.3.
Variant type: single nucleotide variant.
Coding change: c.466G>A on transcript NM_004104.5 (MANE Select); coding-DNA position 466, G replaced by A.
Protein change: p.Ala156Thr; replaces alanine 156 with threonine.
Molecular consequence: missense variant.
Genome position (GRCh38, 1-based): chr17:82,093,408, C>T on the plus strand (G>A on the coding strand, the complement: FASN is on the minus strand). VCF-style: chr17-82093408-C-T. GRCh37 (hg19) VCF-style: chr17-80051284-C-T.
Other names: short protein forms A156T.
Identifiers: ClinVar variation 1419401 (VCV001419401.8), dbSNP rs763417026, ClinGen allele CA8853498.
Genomic context (GRCh38, chr17:82,093,408, plus strand): 5'-GGATGGCCTGGTAGGCGTTCTGCAGGGCCATCAGGCTGGAGGAGCAGGCTGTGTCCAGTG[C>T]GATGCTGGGCCCTGCAAGGAAGGGTGCTGCGGCTCAGGTGGGGCTGTGAGCACACGAGAC-3'
Protein context (NP_004095.4, residues 146-166): FFFDFRGPSI[Ala156Thr]LDTACSSSLM

ClinVar aggregate classification (germline): Uncertain significance (1 of 4 stars; one submission).

Conditions:
Epileptic encephalopathy. Identifiers: MedGen C0543888, HP:0200134.

Allele frequency attached by ClinVar (database versions not stated): gnomAD exomes below 0.00001 and 0.00001; gnomAD 0.00002; ExAC 0.00003.

Submission:

Labcorp Genetics (formerly Invitae), Labcorp
Classification: Uncertain significance for Epileptic encephalopathy. Last evaluated: 2024-03-20. Review status: criteria provided, single submitter. Criteria: Invitae Variant Classification Sherloc (09022015). Collection method: clinical testing. Allele origin: germline.
Comment: This sequence change replaces alanine, which is neutral and non-polar, with threonine, which is neutral and polar, at codon 156 of the FASN protein (p.Ala156Thr). The frequency data for this variant in the population databases is considered unreliable, as metrics indicate poor data quality at this position in the gnomAD database. This variant has not been reported in the literature in individuals affected with FASN-related conditions. ClinVar contains an entry for this variant (Variation ID: 1419401). Algorithms developed to predict the effect of missense changes on protein structure and function output the following: SIFT: "Not Available"; PolyPhen-2: "Benign"; Align-GVGD: "Not Available". The threonine amino acid residue is found in multiple mammalian species, which suggests that this missense change does not adversely affect protein function. In summary, the available evidence is currently insufficient to determine the role of this variant in disease. Therefore, it has been classified as a Variant of Uncertain Significance.